The following is an entry in ClinVar:

NM_000435.3(NOTCH3):c.665G>C (p.Cys222Ser)

Gene: NOTCH3 (notch receptor 3; minus strand). Cytogenetic location: 19p13.12.
Variant type: single nucleotide variant.
Coding change: c.665G>C on transcript NM_000435.3 (MANE Select); coding-DNA position 665, G replaced by C.
Protein change: p.Cys222Ser; replaces cysteine 222 with serine.
Molecular consequence: missense variant.
Genome position (GRCh38, 1-based): chr19:15,191,974, C>G on the plus strand (G>C on the coding strand, the complement: NOTCH3 is on the minus strand). VCF-style: chr19-15191974-C-G. GRCh37 (hg19) VCF-style: chr19-15302785-C-G.
Other names: short protein forms C222S.
Identifiers: ClinVar variation 2684147 (VCV002684147.1), dbSNP rs1555729452, ClinGen allele CA404533083.

ClinVar aggregate classification (germline): Pathogenic (1 of 4 stars; one submission).

Submission:

Athena Diagnostics
Classification: Pathogenic. Last evaluated: 2022-10-15. Review status: criteria provided, single submitter. Criteria: Athena Diagnostics Criteria. Collection method: clinical testing. Allele origin: unknown.
Comment: This variant has not been reported in large, multi-ethnic general populations. This variant has been identified in several individuals with CADASIL. This variant alters a critical location within the protein, and is expected to severely affect function and cause disease. Greater than 90% of NOTCH3 pathogenic variants associated with CADASIL involve the gain or loss of a cysteine residue within the epidermal growth factor (EGF)-like repeat domain (PMID: 32457593, 20301673).

Literature cited by the submitters: PubMed 20935329; PubMed 32586899; PubMed 35754959; PubMed 32765252; PubMed 26308724; PubMed 24295602.